The following is an entry in ClinVar:

NM_177965.4(CFAP418):c.56C>T (p.Pro19Leu)

Genes: CFAP418 (cilia and flagella associated protein 418; minus strand), CFAP418-AS1 (CFAP418 antisense RNA 1; plus strand), LOC130000784 (ATAC-STARR-seq lymphoblastoid active region 27655; plus strand). Cytogenetic location: 8q22.1.
Variant type: single nucleotide variant.
Coding change: c.56C>T on transcript NM_177965.4 (MANE Select); coding-DNA position 56, C replaced by T.
Protein change: p.Pro19Leu; replaces proline 19 with leucine.
Molecular consequence: missense variant.
Genome position (GRCh38, 1-based): chr8:95,269,134, G>A on the plus strand (C>T on the coding strand, the complement: CFAP418 is on the minus strand). VCF-style: chr8-95269134-G-A. GRCh37 (hg19) VCF-style: chr8-96281362-G-A.
Other names: c.56C>T, p.Pro19Leu (NM_001363260.1); short protein forms P19L.
Identifiers: ClinVar variation 4994247 (VCV004994247.1).

ClinVar aggregate classification (germline): Uncertain significance (1 of 4 stars; one submission).

Conditions:
CFAP418-related disorder. Also called: CFAP418-related condition.

Submission:

PreventionGenetics, part of Exact Sciences
Classification: Uncertain significance for CFAP418-related condition. Last evaluated: 2026-03-04. Review status: criteria provided, single submitter. Criteria: ACMG Guidelines, 2015. Collection method: clinical testing. Allele origin: germline.
Comment: The CFAP418 c.56C>T variant is predicted to result in the amino acid substitution p.Pro19Leu. To our knowledge, this variant has not been reported in the literature or in a large population database (gnomAD), indicating this variant is rare. At this time, the clinical significance of this variant is uncertain due to the absence of conclusive functional and genetic evidence.